The following is an entry in ClinVar:

ClinVar aggregate classification (germline): Likely pathogenic (1 of 4 stars; one submission).

Conditions:
KCNA3-associated developmental and epileptic encephalopathy.

Submission:

Institute of Human Genetics, University of Leipzig Medical Center
Classification: Likely pathogenic for KCNA3-associated developmental and epileptic encephalopathy. Last evaluated: 2023-02-14. Review status: criteria provided, single submitter. Criteria: ACMG Guidelines, 2015. Collection method: research. Allele origin: de novo. Inheritance: Autosomal dominant inheritance. Affected: yes. Observed: 1 variant allele.
Comment: This variant was identified as de novo (maternity and paternity confirmed). Criteria applied: PS3, PS2_MOD, PM2_SUP, PP3

Literature cited by the submitters: PubMed 37964487.

NM_002232.5(KCNA3):c.1070C>T (p.Ala357Val)

Gene: KCNA3 (potassium voltage-gated channel subfamily A member 3; minus strand). Cytogenetic location: 1p13.3.
Variant type: single nucleotide variant.
Coding change: c.1070C>T on transcript NM_002232.5 (MANE Select); coding-DNA position 1070, C replaced by T.
Protein change: p.Ala357Val; replaces alanine 357 with valine.
Molecular consequence: missense variant.
Genome position (GRCh38, 1-based): chr1:110,673,740, G>A on the plus strand (C>T on the coding strand, the complement: KCNA3 is on the minus strand). VCF-style: chr1-110673740-G-A. GRCh37 (hg19) VCF-style: chr1-111216362-G-A.
Other names: short protein forms A357V.
Identifiers: ClinVar variation 2500320 (VCV002500320.2), dbSNP rs2524761885, ClinGen allele CA341809937.